The following is an entry in ClinVar:

ClinVar aggregate classification (germline): Conflicting classifications of pathogenicity. Review status: criteria provided, conflicting classifications (1 of 4 stars). 5 submissions from 5 submitters: Uncertain significance (2); Likely benign (3). Last evaluated 2025-09-09.

Conditions:
OTOGL-related disorder. Also called: OTOGL-related condition.

Allele frequency attached by ClinVar (database versions not stated): gnomAD 0.00014 and 0.00018; TOPMed 0.00029; gnomAD exomes 0.00037; 1000 Genomes Project 0.00040; ExAC 0.00059; 1000 Genomes Project 30x 0.00062.

Submissions (5):

PreventionGenetics, part of Exact Sciences
Classification: Likely benign for OTOGL-related condition. Last evaluated: 2025-09-09. Review status: criteria provided, single submitter. Criteria: ACMG Guidelines, 2015. Collection method: clinical testing. Allele origin: germline.
Comment: This variant is classified as likely benign based on ACMG/AMP sequence variant interpretation guidelines (Richards et al. 2015 PMID: 25741868, with internal and published modifications).

Labcorp Genetics (formerly Invitae), Labcorp
Classification: Likely benign. Last evaluated: 2024-06-03. Review status: criteria provided, single submitter. Criteria: Invitae Variant Classification Sherloc (09022015). Collection method: clinical testing. Allele origin: germline.

Blueprint Genetics
Classification: Uncertain significance. Last evaluated: 2022-08-31. Review status: criteria provided, single submitter. Criteria: ACMG Guidelines, 2015. Collection method: clinical testing. Allele origin: germline.

GeneDx
Classification: Uncertain significance. Last evaluated: 2020-07-27. Review status: criteria provided, single submitter. Criteria: GeneDx Variant Classification Process June 2021. Collection method: clinical testing. Allele origin: germline. Affected: yes.
Comment: In silico analysis, which includes protein predictors and evolutionary conservation, supports a deleterious effect; Has not been previously reported as pathogenic or benign to our knowledge

Laboratory for Molecular Medicine, Mass General Brigham Personalized Medicine
Classification: Likely benign. Last evaluated: 2015-06-04. Review status: criteria provided, single submitter. Criteria: LMM Criteria. Collection method: clinical testing. Allele origin: germline. Observed: 1 variant allele.
Comment: p.His362Tyr in exon 11 of OTOGL: This variant is not expected to have clinical s ignificance because it has been identified in 0.83% (26/3130) of East Asian chro mosomes by the Exome Aggregation Consortium (ExAC, g; dbSNP rs78377084).

NM_001378609.3(OTOGL):c.1111C>T (p.His371Tyr)

Gene: OTOGL (otogelin like; plus strand). Cytogenetic location: 12q21.31.
Variant type: single nucleotide variant.
Coding change: c.1111C>T on transcript NM_001378609.3 (MANE Select); coding-DNA position 1111, C replaced by T.
Protein change: p.His371Tyr; replaces histidine 371 with tyrosine.
Molecular consequence: missense variant.
Genome position (GRCh38, 1-based): chr12:80,251,751, C>T. VCF-style: chr12-80251751-C-T. GRCh37 (hg19) VCF-style: chr12-80645531-C-T.
Other names: c.1111C>T, p.His371Tyr (NM_001368062.3, NM_001378610.3, NM_173591.7); short protein forms H362Y, H371Y.
Identifiers: ClinVar variation 227810 (VCV000227810.15), dbSNP rs78377084, ClinGen allele CA6700368.